The following is an entry in ClinVar:

ClinVar aggregate classification (germline): Uncertain significance. Review status: criteria provided, multiple submitters, no conflicts (2 of 4 stars). 2 submissions from 2 submitters: Uncertain significance (2). Last evaluated 2024-03-12.

Conditions:
Lissencephaly type 1 due to doublecortin gene mutation. Also called: LISSENCEPHALY, X-LINKED, 1; LISSENCEPHALY AND AGENESIS OF CORPUS CALLOSUM. Identifiers: Orphanet 2148, MedGen C4551968, MONDO:0010239, OMIM 300067.

gnomAD v4.1: 6 of 1,210,058 alleles (0.0005%); highest among the groups gnomAD compares: South Asian, 0.011%; no homozygotes.

Submissions (2):

GeneDx
Classification: Uncertain significance. Last evaluated: 2024-03-12. Review status: criteria provided, single submitter. Criteria: GeneDx Variant Classification Process June 2021. Collection method: clinical testing. Allele origin: germline. Affected: yes.
Comment: Not observed at significant frequency in large population cohorts (gnomAD); In silico analysis supports that this missense variant does not alter protein structure/function; Has not been previously published as pathogenic or benign to our knowledge

Neuberg Centre For Genomic Medicine, NCGM
Classification: Uncertain significance for Lissencephaly type 1 due to doublecortin gene mutation. Review status: criteria provided, single submitter. Criteria: ACMG Guidelines, 2015. Collection method: clinical testing. Allele origin: germline. Inheritance: X-linked inheritance. Affected: yes.
Comment: The observed missense c.406G>C (p.Val136Leu) variant in DCX gene has not been reported previously as a pathogenic variant nor as a benign variant, to our knowledge. The p.Val136Leu variant is absent in gnomAD Exomes. This variant has not been submitted to the ClinVar database. Computational evidence (SIFT - Tolerated and MutationTaster - Disease causing) predicts conflicting evidence on protein structure and function for this variant. The reference amino acid at this position on DCX gene is predicted as conserved by GERP++ and PhyloP across 100 vertebrates. The amino acid Val at position 136 is changed to a Leu changing protein sequence and it might alter its composition and physico-chemical properties. For these reasons, this variant has been classified as Variant of Uncertain Significance (VUS).

NM_001195553.2(DCX):c.406G>C (p.Val136Leu)

Gene: DCX (doublecortin; minus strand). Cytogenetic location: Xq23.
Variant type: single nucleotide variant.
Coding change: c.406G>C on transcript NM_001195553.2 (MANE Select); coding-DNA position 406, G replaced by C.
Protein change: p.Val136Leu; replaces valine 136 with leucine.
Molecular consequence: missense variant.
Genome position (GRCh38, 1-based): chrX:111,401,289, C>G on the plus strand (G>C on the coding strand, the complement: DCX is on the minus strand). VCF-style: chrX-111401289-C-G. GRCh37 (hg19) VCF-style: chrX-110644517-C-G.
Other names: c.649G>C, p.Val217Leu (NM_000555.3); c.406G>C, p.Val136Leu (NM_001369370.1, NM_001369371.1, NM_001369372.1 and 6 more transcripts); short protein forms V136L, V217L.
Identifiers: ClinVar variation 3370610 (VCV003370610.2).
Genomic context (GRCh38, chrX:111,401,289, plus strand): 5'-TATTGGCAGATGTTTTTACGTTGACAGACCAGTTGGGATTGACATTCTTGGTGTACTCCA[C>G]CTTTTTAAAGAAGTTGTCTGAGGAACAGACATAGCTTTCCCCTAAGGCAAGAAATAAGTG-3'
Protein context (NP_001182482.1, residues 126-146): VCSSDNFFKK[Val136Leu]EYTKNVNPNW